The following is an entry in ClinVar:

NM_004064.5(CDKN1B):c.443G>A (p.Cys148Tyr)

Gene: CDKN1B (cyclin dependent kinase inhibitor 1B; plus strand). Cytogenetic location: 12p13.1.
Variant type: single nucleotide variant.
Coding change: c.443G>A on transcript NM_004064.5 (MANE Select); coding-DNA position 443, G replaced by A.
Protein change: p.Cys148Tyr; replaces cysteine 148 with tyrosine.
Molecular consequence: missense variant.
Genome position (GRCh38, 1-based): chr12:12,718,282, G>A. VCF-style: chr12-12718282-G-A. GRCh37 (hg19) VCF-style: chr12-12871216-G-A.
Other names: short protein forms C148Y.
Identifiers: ClinVar variation 3830972 (VCV003830972.1).

ClinVar aggregate classification (germline): Uncertain significance (1 of 4 stars; one submission).

Conditions:
Hereditary cancer-predisposing syndrome. Also called: Hereditary neoplastic syndrome; Neoplastic Syndromes, Hereditary; Tumor predisposition; Hereditary Cancer Syndrome. Identifiers: Orphanet 140162, MedGen C0027672, MeSH D009386, MONDO:0015356.

gnomAD v4.1: 1 of 1,606,346 alleles (0.000062%); highest among the groups gnomAD compares: African/African-American, 0.0013%; no homozygotes.

Submission:

Ambry Genetics
Classification: Uncertain significance for Hereditary cancer-predisposing syndrome. Last evaluated: 2025-02-01. Review status: criteria provided, single submitter. Criteria: Ambry Variant Classification Scheme 2023. Collection method: clinical testing. Allele origin: germline.
Comment: The p.C148Y variant (also known as c.443G>A), located in coding exon 1 of the CDKN1B gene, results from a G to A substitution at nucleotide position 443. The cysteine at codon 148 is replaced by tyrosine, an amino acid with highly dissimilar properties. This amino acid position is conserved. In addition, the in silico prediction for this alteration is inconclusive. Based on the available evidence, the clinical significance of this variant remains unclear.